The following is an entry in ClinVar:

NM_001159699.2(FHL1):c.494A>T (p.Tyr165Phe)

Gene: FHL1 (four and a half LIM domains 1; plus strand). Cytogenetic location: Xq26.3.
Variant type: single nucleotide variant.
Coding change: c.494A>T on transcript NM_001159699.2 (MANE Select); coding-DNA position 494, A replaced by T.
Protein change: p.Tyr165Phe; replaces tyrosine 165 with phenylalanine.
Molecular consequence: missense variant. On other transcripts: non-coding transcript variant (1).
Genome position (GRCh38, 1-based): chrX:136,207,906, A>T. VCF-style: chrX-136207906-A-T. GRCh37 (hg19) VCF-style: chrX-135290065-A-T.
Other names: c.446A>T, p.Tyr149Phe (NM_001159700.2, NM_001159702.3, NM_001159703.2 and 9 more transcripts); c.533A>T, p.Tyr178Phe (NM_001159701.2); c.494A>T, p.Tyr165Phe (NM_001330659.2, NM_001440769.1); short protein forms Y149F, Y165F, Y178F.
Identifiers: ClinVar variation 4824268 (VCV004824268.1).

ClinVar aggregate classification (germline): Uncertain significance (1 of 4 stars; one submission).

Conditions:
Cardiovascular phenotype. Identifiers: MedGen CN230736.

gnomAD v4.1: 2 of 1,212,375 alleles (0.00016%); highest among the groups gnomAD compares: South Asian, 0.0035%; no homozygotes.

Submission:

Ambry Genetics
Classification: Uncertain significance for Cardiovascular phenotype. Last evaluated: 2026-01-30. Review status: criteria provided, single submitter. Criteria: Ambry Variant Classification Scheme 2023. Collection method: clinical testing. Allele origin: germline.
Comment: The p.Y149F variant (also known as c.446A>T), located in coding exon 3 of the FHL1 gene, results from an A to T substitution at nucleotide position 446. The tyrosine at codon 149 is replaced by phenylalanine, an amino acid with highly similar properties. This amino acid position is highly conserved in available vertebrate species. In addition, the in silico prediction for this alteration is inconclusive. Based on the available evidence, the clinical significance of this variant remains unclear.